The following is an entry in ClinVar:

NM_002609.4(PDGFRB):c.2433C>T (p.Ala811=)

Gene: PDGFRB (platelet derived growth factor receptor beta; minus strand). Cytogenetic location: 5q32.
Variant type: single nucleotide variant.
Coding change: c.2433C>T on transcript NM_002609.4 (MANE Select); coding-DNA position 2433, C replaced by T.
Protein change: p.Ala811=; no amino-acid change (alanine 811 retained).
Molecular consequence: synonymous variant.
Genome position (GRCh38, 1-based): chr5:150,121,234, G>A on the plus strand (C>T on the coding strand, the complement: PDGFRB is on the minus strand). VCF-style: chr5-150121234-G-A. GRCh37 (hg19) VCF-style: chr5-149500797-G-A.
Other names: c.2241C>T, p.Ala747= (NM_001355016.2); c.1950C>T, p.Ala650= (NM_001355017.2).
Identifiers: ClinVar variation 4529892 (VCV004529892.1).

ClinVar aggregate classification (germline): Uncertain significance (1 of 4 stars; one submission).

gnomAD v4.1: 23 of 1,593,582 alleles (0.0014%); highest among the groups gnomAD compares: Non-Finnish European, 0.002%; no homozygotes.

Submission:

GeneDx
Classification: Uncertain significance. Last evaluated: 2025-05-10. Review status: criteria provided, single submitter. Criteria: GeneDx Variant Classification Process June 2021. Collection method: clinical testing. Allele origin: germline. Affected: yes.
Comment: Not observed at significant frequency in large population cohorts (gnomAD); Has not been previously published as pathogenic or benign to our knowledge; In silico analysis suggests this variant may impact gene splicing. In the absence of RNA/functional studies, the actual effect of this sequence change is unknown.